The following is an entry in ClinVar:

ClinVar aggregate classification (germline): Conflicting classifications of pathogenicity. Review status: criteria provided, conflicting classifications (1 of 4 stars). 4 submissions from 4 submitters: Uncertain significance (1); Likely benign (2). 1 of the submissions does not count toward it. Last evaluated 2026-01-16.

Conditions:
POLG-related disorder. Also called: POLG-Related Spectrum Disorders; POLG-related condition; POLG-Related Disorders. Identifiers: MedGen C4763519.
Progressive sclerosing poliodystrophy (MTDPS4A). Also called: Mitochondrial DNA depletion syndrome 4A (Alpers type); Mitochondrial DNA Depletion Syndrome 4A; Alpers Syndrome; ALPERS DIFFUSE DEGENERATION OF CEREBRAL GRAY MATTER WITH HEPATIC CIRRHOSIS; Alpers-Huttenlocher Syndrome; ALPERS PROGRESSIVE INFANTILE POLIODYSTROPHY. Identifiers: Orphanet 726, MedGen C0205710, MONDO:0008758, OMIM 203700.

Allele frequency attached by ClinVar (database versions not stated): gnomAD exomes 0.00001; ExAC 0.00002; gnomAD 0.00007 and 0.00008; ESP Exome Variant Server 0.00008; TOPMed 0.00011.
gnomAD v4.1: 20 of 1,613,352 alleles (0.0012%); highest among the groups gnomAD compares: African/African-American, 0.024%; no homozygotes.

Submissions (4):

Labcorp Genetics (formerly Invitae), Labcorp
Classification: Likely benign for Progressive sclerosing poliodystrophy. Last evaluated: 2026-01-16. Review status: criteria provided, single submitter. Criteria: Invitae Variant Classification Sherloc (09022015). Collection method: clinical testing. Allele origin: germline.

GeneDx
Classification: Likely benign. Last evaluated: 2019-08-07. Review status: criteria provided, single submitter. Criteria: GeneDx Variant Classification Process June 2021. Collection method: clinical testing. Allele origin: germline. Affected: yes.

Eurofins Ntd Llc (ga)
Classification: Uncertain significance. Last evaluated: 2017-12-05. Review status: criteria provided, single submitter. Criteria: EGL Classification Definitions 2015. Collection method: clinical testing. Allele origin: germline. Observed: 2 variant alleles, 2 heterozygotes.

PreventionGenetics, part of Exact Sciences
Classification: Likely benign for POLG-related condition. Last evaluated: 2022-09-12. Review status: no assertion criteria provided. Collection method: clinical testing. Allele origin: germline. Not counted in ClinVar's aggregate classification.
Comment: This variant is classified as likely benign based on ACMG/AMP sequence variant interpretation guidelines (Richards et al. 2015 PMID: 25741868, with internal and published modifications).

NM_002693.3(POLG):c.1977C>T (p.His659=)

Gene: POLG (DNA polymerase gamma, catalytic subunit; minus strand). Cytogenetic location: 15q26.1.
Variant type: single nucleotide variant.
Coding change: c.1977C>T on transcript NM_002693.3 (MANE Select); coding-DNA position 1977, C replaced by T.
Protein change: p.His659=; no amino-acid change (histidine 659 retained).
Molecular consequence: synonymous variant.
Genome position (GRCh38, 1-based): chr15:89,324,200, G>A on the plus strand (C>T on the coding strand, the complement: POLG is on the minus strand). VCF-style: chr15-89324200-G-A. GRCh37 (hg19) VCF-style: chr15-89867431-G-A.
Other names: c.1977C>T, p.His659= (NM_001126131.2).
Identifiers: ClinVar variation 595215 (VCV000595215.19), dbSNP rs62640030, ClinGen allele CA7724627.